The following is an entry in ClinVar:

NM_002547.3(OPHN1):c.1139-46A>G

Gene: OPHN1 (oligophrenin 1; minus strand). Cytogenetic location: Xq12.
Variant type: single nucleotide variant.
Coding change: c.1139-46A>G on transcript NM_002547.3 (MANE Select); 46 bases into the intron before coding-DNA position 1139, A replaced by G.
Molecular consequence: intron variant.
Genome position (GRCh38, 1-based): chrX:68,193,998, T>C on the plus strand (A>G on the coding strand, the complement: OPHN1 is on the minus strand). VCF-style: chrX-68193998-T-C. GRCh37 (hg19) VCF-style: chrX-67413840-T-C.
Other names: c.1139-46A>G (NM_001437258.1).
Identifiers: ClinVar variation 4851762 (VCV004851762.1).

ClinVar aggregate classification (germline): Uncertain significance (1 of 4 stars; one submission).

Submission:

Greenwood Genetic Center Diagnostic Laboratories, Greenwood Genetic Center
Classification: Uncertain significance. Last evaluated: 2025-01-16. Review status: criteria provided, single submitter. Criteria: ACMG Guidelines, 2015. Collection method: clinical testing. Allele origin: germline.
Comment: PM2